The following is an entry in ClinVar:

NC_000003.11:g.(?_93772011)_(93845334_?)dup

Genes: NSUN3 (NOP2/Sun RNA methyltransferase 3; plus strand), ARL13B (ARF like GTPase 13B; plus strand), DHFR2 (dihydrofolate reductase 2; minus strand). Cytogenetic location: 3q11.1.
Variant type: Duplication.
Identifiers: ClinVar variation 2427600 (VCV002427600.4).

ClinVar aggregate classification (germline): Uncertain significance (1 of 4 stars; one submission).

Conditions:
Joubert syndrome 8 (JBTS8). Identifiers: Orphanet 475, MedGen C2676771, MONDO:0012855, OMIM 612291.

Submission:

Labcorp Genetics (formerly Invitae), Labcorp
Classification: Uncertain significance for Joubert syndrome 8. Last evaluated: 2022-04-29. Review status: criteria provided, single submitter. Criteria: Invitae Variant Classification Sherloc (09022015). Collection method: clinical testing. Allele origin: germline.
Comment: This variant results in a copy number gain of the genomic region encompassing exon(s) 10-11 of the ARL13B gene. This region includes the termination codon of the gene. This copy number gain extends beyond the assayed region for this gene and therefore may encompass additional genes. As the precise location of this event is unknown, it may be in tandem or it may be located elsewhere in the genome. This variant has not been reported in the literature in individuals affected with ARL13B-related conditions. In summary, the available evidence is currently insufficient to determine the role of this variant in disease. Therefore, it has been classified as a Variant of Uncertain Significance.